The following is an entry in ClinVar:

NM_002474.3(MYH11):c.4121C>T (p.Ser1374Phe)

Genes: MYH11 (myosin heavy chain 11; minus strand), NDE1 (nudE neurodevelopment protein 1; plus strand). Cytogenetic location: 16p13.11.
Variant type: single nucleotide variant.
Coding change: c.4121C>T on transcript NM_002474.3 (MANE Select); coding-DNA position 4121, C replaced by T.
Protein change: p.Ser1374Phe; replaces serine 1374 with phenylalanine.
Molecular consequence: missense variant. On other transcripts: 3 prime UTR variant (2).
Genome position (GRCh38, 1-based): chr16:15,724,405, G>A on the plus strand (C>T on the coding strand, the complement: MYH11 is on the minus strand). VCF-style: chr16-15724405-G-A. GRCh37 (hg19) VCF-style: chr16-15818262-G-A.
Other names: c.4142C>T, p.Ser1381Phe (NM_001040113.2, NM_001040114.2); c.4121C>T, p.Ser1374Phe (NM_022844.3); c.*154G>A (NM_001143979.2, NM_017668.3); c.4121C>T (NM_002474.2); short protein forms S1374F, S1381F.
Identifiers: ClinVar variation 975938 (VCV000975938.4), dbSNP rs1401689647, ClinGen allele CA394857545.

ClinVar aggregate classification (germline): Uncertain significance. Review status: criteria provided, multiple submitters, no conflicts (2 of 4 stars). 3 submissions from 3 submitters: Uncertain significance (3). Last evaluated 2026-07-01.

Conditions:
Familial thoracic aortic aneurysm and aortic dissection (TAAD). Also called: Thoracic aortic aneurysms and dissections. Identifiers: Orphanet 91387, MedGen C4707243, MONDO:0019625.
Aortic aneurysm, familial thoracic 4 (AAT4). Also called: AORTIC ANEURYSM/AORTIC DISSECTION AND PATENT DUCTUS ARTERIOSUS. Identifiers: MedGen C1851504, MONDO:0007568, OMIM 132900.

Allele frequency attached by ClinVar (database versions not stated): TOPMed 0.00001; gnomAD 0.00001.
gnomAD v4.1: 1 of 1,613,728 alleles (0.000062%); highest among the groups gnomAD compares: African/African-American, 0.0013%; no homozygotes.

Submissions (3):

Ambry Genetics
Classification: Uncertain significance for Familial thoracic aortic aneurysm and aortic dissection. Last evaluated: 2026-07-01. Review status: criteria provided, single submitter. Criteria: Ambry Variant Classification Scheme 2023. Collection method: clinical testing. Allele origin: germline.
Comment: The p.S1374F variant (also known as c.4121C>T), located in coding exon 30 of the MYH11 gene, results from a C to T substitution at nucleotide position 4121. The serine at codon 1374 is replaced by phenylalanine, an amino acid with highly dissimilar properties. This amino acid position is conserved. In addition, the in silico prediction for this alteration is inconclusive. Based on the available evidence, the clinical significance of this variant remains unclear.

Labcorp Genetics (formerly Invitae), Labcorp
Classification: Uncertain significance for Aortic aneurysm, familial thoracic 4. Last evaluated: 2025-03-04. Review status: criteria provided, single submitter. Criteria: Invitae Variant Classification Sherloc (09022015). Collection method: clinical testing. Allele origin: germline.
Comment: This sequence change replaces serine, which is neutral and polar, with phenylalanine, which is neutral and non-polar, at codon 1381 of the MYH11 protein (p.Ser1381Phe). This variant is not present in population databases (gnomAD no frequency). This variant has not been reported in the literature in individuals affected with MYH11-related conditions. ClinVar contains an entry for this variant (Variation ID: 975938). Invitae Evidence Modeling of protein sequence and biophysical properties (such as structural, functional, and spatial information, amino acid conservation, physicochemical variation, residue mobility, and thermodynamic stability) indicates that this missense variant is not expected to disrupt MYH11 protein function with a negative predictive value of 95%. In summary, the available evidence is currently insufficient to determine the role of this variant in disease. Therefore, it has been classified as a Variant of Uncertain Significance.

Institute of Human Genetics, University of Leipzig Medical Center
Classification: Uncertain significance for Aortic aneurysm, familial thoracic 4. Last evaluated: 2020-10-29. Review status: criteria provided, single submitter. Criteria: ACMG Guidelines, 2015. Collection method: clinical testing. Allele origin: unknown. Affected: yes.